The following is an entry in ClinVar:

ClinVar aggregate classification (germline): Conflicting classifications of pathogenicity. Review status: criteria provided, conflicting classifications (1 of 4 stars). 2 submissions from 2 submitters: Pathogenic (1); Uncertain significance (1). Last evaluated 2024-09-18.

Conditions:
Hereditary cancer-predisposing syndrome. Also called: Tumor predisposition; Hereditary Cancer Syndrome; Hereditary neoplastic syndrome; Neoplastic Syndromes, Hereditary. Identifiers: Orphanet 140162, MedGen C0027672, MeSH D009386, MONDO:0015356.
Ataxia-telangiectasia syndrome (AT). Also called: Ataxia-telangiectasia, complementation group D; AT, COMPLEMENTATION GROUP C; ATAXIA-TELANGIECTASIA, COMPLEMENTATION GROUP A; ATAXIA-TELANGIECTASIA, FRESNO VARIANT; Ataxia-telangiectasia, complementation group E; LOUIS-BAR SYNDROME. Identifiers: Orphanet 100, MedGen C0004135, MONDO:0008840, OMIM 208900.

Submissions (2):

Labcorp Genetics (formerly Invitae), Labcorp
Classification: Pathogenic for Ataxia-telangiectasia syndrome. Last evaluated: 2024-09-18. Review status: criteria provided, single submitter. Criteria: Invitae Variant Classification Sherloc (09022015). Collection method: clinical testing. Allele origin: germline.
Comment: This sequence change falls in intron 57 of the ATM gene. It does not directly change the encoded amino acid sequence of the ATM protein. RNA analysis indicates that this variant induces altered splicing and may result in an absent or altered protein product. This variant is not present in population databases (gnomAD no frequency). This variant has not been reported in the literature in individuals affected with ATM-related conditions. ClinVar contains an entry for this variant (Variation ID: 2052386). Studies have shown that this variant results in activation of a cryptic splice site, and produces a non-functional protein and/or introduces a premature termination codon (internal data). For these reasons, this variant has been classified as Pathogenic.

Ambry Genetics
Classification: Uncertain significance for Hereditary cancer-predisposing syndrome. Last evaluated: 2022-01-19. Review status: criteria provided, single submitter. Criteria: Ambry Variant Classification Scheme 2023. Collection method: clinical testing. Allele origin: germline.
Comment: The c.8418+704G>T intronic alteration consists of a G to T substitution 04 nucleotides after coding exon 56 in the ATM gene. Based on insufficient or conflicting evidence, the clinical significance of this alteration remains unclear.

NM_000051.4(ATM):c.8418+704G>T

Genes: ATM (ATM serine/threonine kinase; plus strand), C11orf65 (chromosome 11 open reading frame 65; minus strand). Cytogenetic location: 11q22.3.
Variant type: single nucleotide variant.
Coding change: c.8418+704G>T on transcript NM_000051.4 (MANE Select); 704 bases into the intron after coding-DNA position 8418, G replaced by T.
Molecular consequence: intron variant.
Genome position (GRCh38, 1-based): chr11:108,344,075, G>T. VCF-style: chr11-108344075-G-T. GRCh37 (hg19) VCF-style: chr11-108214802-G-T.
Other names: c.8418+704G>T (NM_001351834.2); c.641-35004C>A (NM_001330368.2); c.695-8783C>A (NM_001351110.2).
Identifiers: ClinVar variation 2052386 (VCV002052386.6), dbSNP rs2547428465, ClinGen allele CA2580083405.